The following is an entry in ClinVar:

NM_002234.4(KCNA5):c.1528C>G (p.Leu510Val)

Gene: KCNA5 (potassium voltage-gated channel subfamily A member 5; plus strand). Cytogenetic location: 12p13.32.
Variant type: single nucleotide variant.
Coding change: c.1528C>G on transcript NM_002234.4 (MANE Select); coding-DNA position 1528, C replaced by G.
Protein change: p.Leu510Val; replaces leucine 510 with valine.
Molecular consequence: missense variant.
Genome position (GRCh38, 1-based): chr12:5,045,675, C>G. VCF-style: chr12-5045675-C-G. GRCh37 (hg19) VCF-style: chr12-5154841-C-G.
Other names: short protein forms L510V.
Identifiers: ClinVar variation 1412310 (VCV001412310.8), dbSNP rs1862769190, ClinGen allele CA383466675.

ClinVar aggregate classification (germline): Uncertain significance (1 of 4 stars; one submission).

Conditions:
Atrial fibrillation, familial, 7 (ATFB7). Identifiers: MedGen C2677106, MONDO:0012828, OMIM 612240.

Allele frequency attached by ClinVar (database versions not stated): TOPMed below 0.00001.

Submission:

Labcorp Genetics (formerly Invitae), Labcorp
Classification: Uncertain significance for Atrial fibrillation, familial, 7. Last evaluated: 2020-10-28. Review status: criteria provided, single submitter. Criteria: Invitae Variant Classification Sherloc (09022015). Collection method: clinical testing. Allele origin: germline.
Comment: In summary, the available evidence is currently insufficient to determine the role of this variant in disease. Therefore, it has been classified as a Variant of Uncertain Significance. Algorithms developed to predict the effect of missense changes on protein structure and function are either unavailable or do not agree on the potential impact of this missense change (SIFT: "Deleterious"; PolyPhen-2: "Probably Damaging"; Align-GVGD: "Class C0"). This variant has not been reported in the literature in individuals with KCNA5-related conditions. This variant is not present in population databases (ExAC no frequency). This sequence change replaces leucine with valine at codon 510 of the KCNA5 protein (p.Leu510Val). The leucine residue is highly conserved and there is a small physicochemical difference between leucine and valine.